The following is an entry in ClinVar:

ClinVar aggregate classification (germline): Uncertain significance (1 of 4 stars; one submission).

Conditions:
Arrhythmogenic right ventricular dysplasia 5. Also called: Arrhythmogenic Right Ventricular Dysplasia/Cardiomyopathy 5; ARRHYTHMOGENIC RIGHT VENTRICULAR DYSPLASIA, FAMILIAL, 5. Identifiers: MedGen C1858379, MONDO:0011459, OMIM 604400.

Submission:

Labcorp Genetics (formerly Invitae), Labcorp
Classification: Uncertain significance for Arrhythmogenic right ventricular dysplasia 5. Last evaluated: 2022-03-18. Review status: criteria provided, single submitter. Criteria: Invitae Variant Classification Sherloc (09022015). Collection method: clinical testing. Allele origin: germline.
Comment: In summary, the available evidence is currently insufficient to determine the role of this variant in disease. Therefore, it has been classified as a Variant of Uncertain Significance. Algorithms developed to predict the effect of missense changes on protein structure and function (SIFT, PolyPhen-2, Align-GVGD) all suggest that this variant is likely to be disruptive. This variant has not been reported in the literature in individuals affected with TMEM43-related conditions. This variant is not present in population databases (gnomAD no frequency). This sequence change replaces leucine, which is neutral and non-polar, with glutamine, which is neutral and polar, at codon 343 of the TMEM43 protein (p.Leu343Gln).

NM_024334.3(TMEM43):c.1028T>A (p.Leu343Gln)

Gene: TMEM43 (transmembrane protein 43; plus strand). Cytogenetic location: 3p25.1.
Variant type: single nucleotide variant.
Coding change: c.1028T>A on transcript NM_024334.3 (MANE Select); coding-DNA position 1028, T replaced by A.
Protein change: p.Leu343Gln; replaces leucine 343 with glutamine.
Molecular consequence: missense variant.
Genome position (GRCh38, 1-based): chr3:14,141,620, T>A. VCF-style: chr3-14141620-T-A. GRCh37 (hg19) VCF-style: chr3-14183120-T-A.
Other names: c.1031T>A, p.Leu344Gln (NM_001407274.1); c.1025T>A, p.Leu342Gln (NM_001407275.1, NM_001407276.1); c.1022T>A, p.Leu341Gln (NM_001407277.1); c.1013T>A, p.Leu338Gln (NM_001407278.1); c.953T>A, p.Leu318Gln (NM_001407279.1); c.878T>A, p.Leu293Gln (NM_001407280.1); short protein forms L293Q, L338Q, L342Q, L318Q, L344Q, L341Q, L343Q.
Identifiers: ClinVar variation 2113773 (VCV002113773.4), dbSNP rs369588299, ClinGen allele CA351536399.